The following is an entry in ClinVar:

ClinVar aggregate classification (germline): Uncertain significance (1 of 4 stars; one submission).

Submission:

Laboratory for Molecular Medicine, Mass General Brigham Personalized Medicine
Classification: Uncertain significance. Last evaluated: 2018-10-05. Review status: criteria provided, single submitter. Criteria: LMM Criteria. Collection method: clinical testing. Allele origin: germline. Observed: 1 variant allele.
Comment: Variant classified as Uncertain Significance - Favor Pathogenic. The c.794-2A>G variant in LGI4 has not been previously reported in individuals with disease and was absent from large population studies. This variant occurs in the invariant region (- 2) of the splice consensus sequence and is predicted to cause altered splicing leading to an abnormal or absent protein. However, the impact of bialle lic loss of function of the LGI4 gene is not well understood. In summary, while there is some suspicion for a pathogenic role, the clinical significance of the c.794-2A>G variant is uncertain. ACMG/AMP Criteria applied: PVS1_Moderate, PM2.

NM_139284.3(LGI4):c.794-2A>G

Gene: LGI4 (leucine rich repeat LGI family member 4; minus strand). Cytogenetic location: 19q13.12.
Variant type: single nucleotide variant.
Coding change: c.794-2A>G on transcript NM_139284.3 (MANE Select); the canonical splice acceptor site of the intron before coding-DNA position 794, A replaced by G.
Molecular consequence: splice acceptor variant.
Genome position (GRCh38, 1-based): chr19:35,126,777, T>C on the plus strand (A>G on the coding strand, the complement: LGI4 is on the minus strand). VCF-style: chr19-35126777-T-C. GRCh37 (hg19) VCF-style: chr19-35617681-T-C.
Identifiers: ClinVar variation 667026 (VCV000667026.4), dbSNP rs1600470209, ClinGen allele CA405307402.